The following is an entry in ClinVar:

ClinVar aggregate classification (germline): Uncertain significance (1 of 4 stars; one submission).

Submission:

Labcorp Genetics (formerly Invitae), Labcorp
Classification: Uncertain significance. Last evaluated: 2024-10-16. Review status: criteria provided, single submitter. Criteria: Invitae Variant Classification Sherloc (09022015). Collection method: clinical testing. Allele origin: germline.
Comment: This sequence change creates a premature translational stop signal (p.Met682Ilefs*10) in the IL6ST gene. While this is not anticipated to result in nonsense mediated decay, it is expected to disrupt the last 237 amino acid(s) of the IL6ST protein. This variant is not present in population databases (gnomAD no frequency). This variant has not been reported in the literature in individuals affected with IL6ST-related conditions. ClinVar contains an entry for this variant (Variation ID: 2008614). Experimental studies and prediction algorithms are not available or were not evaluated, and the functional significance of this variant is currently unknown. In summary, the available evidence is currently insufficient to determine the role of this variant in disease. Therefore, it has been classified as a Variant of Uncertain Significance.

NM_002184.4(IL6ST):c.2046del (p.Met682fs)

Gene: IL6ST (interleukin 6 cytokine family signal transducer; minus strand). Cytogenetic location: 5q11.2.
Variant type: Deletion.
Coding change: c.2046del on transcript NM_002184.4 (MANE Select); coding-DNA position 2046, one base deleted (G; older notation c.2046delG).
Protein change: p.Met682fs; shifts the reading frame from methionine 682.
Molecular consequence: frameshift variant. On other transcripts: 3 prime UTR variant (1), non-coding transcript variant (2).
Genome position (GRCh38, 1-based): chr5:55,941,793, C deleted on the plus strand (G on the coding strand, the reverse complement: IL6ST is on the minus strand). VCF-style (leftmost placement, unchanged base first): chr5-55941792-AC-A. GRCh37 (hg19) VCF-style: chr5-55237620-AC-A.
Other names: c.1863del, p.Met621fs (NM_001190981.2); c.1944del, p.Met648fs (NM_001364275.2); c.1836del, p.Met612fs (NM_001364276.2); c.1179del, p.Met393fs (NM_001364277.2); c.1143del, p.Met381fs (NM_001364278.2); c.1050del, p.Met350fs (NM_001364279.2); c.*973del (NM_175767.3); short protein forms M350fs, M612fs, M621fs, M648fs, M381fs, M393fs, M682fs.
Identifiers: ClinVar variation 2008614 (VCV002008614.4), dbSNP rs2533431465, ClinGen allele CA2580073331.